The following is an entry in ClinVar:

NM_013275.6(ANKRD11):c.7952T>C (p.Met2651Thr)

Gene: ANKRD11 (ankyrin repeat domain 11; minus strand). Cytogenetic location: 16q24.3.
Variant type: single nucleotide variant.
Coding change: c.7952T>C on transcript NM_013275.6 (MANE Select); coding-DNA position 7952, T replaced by C.
Protein change: p.Met2651Thr; replaces methionine 2651 with threonine.
Molecular consequence: missense variant.
Genome position (GRCh38, 1-based): chr16:89,268,518, A>G on the plus strand (T>C on the coding strand, the complement: ANKRD11 is on the minus strand). VCF-style: chr16-89268518-A-G. GRCh37 (hg19) VCF-style: chr16-89334926-A-G.
Other names: c.7952T>C, p.Met2651Thr (NM_001256182.2, NM_001256183.2); c.7952T>C (NM_013275.4); short protein forms M2651T.
Identifiers: ClinVar variation 2050525 (VCV002050525.5), dbSNP rs1448454894, ClinGen allele CA397144979.

ClinVar aggregate classification (germline): Conflicting classifications of pathogenicity. Review status: criteria provided, conflicting classifications (1 of 4 stars). 2 submissions from 2 submitters: Uncertain significance (1); Likely benign (1). Last evaluated 2025-08-12.

Conditions:
KBG syndrome (KBGS). Also called: ANKRD11-Related KBG Syndrome. Identifiers: Orphanet 2332, MedGen C0220687, MONDO:0007846, OMIM 148050.
Inborn genetic diseases. Identifiers: MedGen C0950123, MeSH D030342.

Allele frequency attached by ClinVar (database versions not stated): gnomAD exomes 0.00002; TOPMed below 0.00001.
gnomAD v4.1: 9 of 1,437,676 alleles (0.00063%); highest among the groups gnomAD compares: Admixed American, 0.014%; no homozygotes.

Submissions (2):

Ambry Genetics
Classification: Likely benign for Inborn genetic diseases. Last evaluated: 2025-08-12. Review status: criteria provided, single submitter. Criteria: Ambry Variant Classification Scheme 2023. Collection method: clinical testing. Allele origin: germline.

Labcorp Genetics (formerly Invitae), Labcorp
Classification: Uncertain significance for KBG syndrome. Last evaluated: 2024-04-22. Review status: criteria provided, single submitter. Criteria: Invitae Variant Classification Sherloc (09022015). Collection method: clinical testing. Allele origin: germline.
Comment: This sequence change replaces methionine, which is neutral and non-polar, with threonine, which is neutral and polar, at codon 2651 of the ANKRD11 protein (p.Met2651Thr). This variant is present in population databases (no rsID available, gnomAD 0.03%). This variant has not been reported in the literature in individuals affected with ANKRD11-related conditions. ClinVar contains an entry for this variant (Variation ID: 2050525). Advanced modeling of protein sequence and biophysical properties (such as structural, functional, and spatial information, amino acid conservation, physicochemical variation, residue mobility, and thermodynamic stability) performed at Invitae indicates that this missense variant is not expected to disrupt ANKRD11 protein function with a negative predictive value of 95%. In summary, the available evidence is currently insufficient to determine the role of this variant in disease. Therefore, it has been classified as a Variant of Uncertain Significance.